The following is an entry in ClinVar:

NM_001170700.3(DTHD1):c.2015C>T (p.Pro672Leu)

Gene: DTHD1 (death domain containing 1; plus strand). Cytogenetic location: 4p14.
Variant type: single nucleotide variant.
Coding change: c.2015C>T on transcript NM_001170700.3 (MANE Select); coding-DNA position 2015, C replaced by T.
Protein change: p.Pro672Leu; replaces proline 672 with leucine.
Molecular consequence: missense variant. On other transcripts: non-coding transcript variant (2).
Genome position (GRCh38, 1-based): chr4:36,308,413, C>T. VCF-style: chr4-36308413-C-T. GRCh37 (hg19) VCF-style: chr4-36310035-C-T.
Other names: c.1145C>T, p.Pro382Leu (NM_001136536.5); c.1082C>T, p.Pro361Leu (NM_001378435.1); short protein forms P361L, P382L, P672L.
Identifiers: ClinVar variation 1025902 (VCV001025902.8), dbSNP rs900726166, ClinGen allele CA95783972.

ClinVar aggregate classification (germline): Uncertain significance (1 of 4 stars; one submission).

Allele frequency attached by ClinVar (database versions not stated): gnomAD exomes 0.00001 and below 0.00001; TOPMed below 0.00001.
gnomAD v4.1: 5 of 1,551,836 alleles (0.00032%); highest among the groups gnomAD compares: Non-Finnish European, 0.00044%; no homozygotes.

Submission:

Labcorp Genetics (formerly Invitae), Labcorp
Classification: Uncertain significance. Last evaluated: 2022-01-15. Review status: criteria provided, single submitter. Criteria: Invitae Variant Classification Sherloc (09022015). Collection method: clinical testing. Allele origin: germline.
Comment: This sequence change replaces proline, which is neutral and non-polar, with leucine, which is neutral and non-polar, at codon 382 of the DTHD1 protein (p.Pro382Leu). This variant is present in population databases (no rsID available, gnomAD 0.003%). This variant has not been reported in the literature in individuals affected with DTHD1-related conditions. ClinVar contains an entry for this variant (Variation ID: 1025902). Algorithms developed to predict the effect of missense changes on protein structure and function output the following: SIFT: "Deleterious"; PolyPhen-2: "Benign"; Align-GVGD: "Class C15". The leucine amino acid residue is found in multiple mammalian species, which suggests that this missense change does not adversely affect protein function. In summary, the available evidence is currently insufficient to determine the role of this variant in disease. Therefore, it has been classified as a Variant of Uncertain Significance.